The following is an entry in ClinVar:

ClinVar aggregate classification (germline): Benign/Likely benign. Review status: criteria provided, multiple submitters, no conflicts (2 of 4 stars). 5 submissions from 5 submitters: Benign (1); Likely benign (4). Last evaluated 2026-05-01.

Allele frequency attached by ClinVar (database versions not stated): gnomAD 0.00024 and 0.00036; TOPMed 0.00032; ESP Exome Variant Server 0.00038; 1000 Genomes Project 30x 0.00047; gnomAD exomes 0.00049 and 0.00074; 1000 Genomes Project 0.00060; ExAC 0.00082.
gnomAD v4.1: 779 of 1,613,766 alleles (0.048%); highest among the groups gnomAD compares: South Asian, 0.38%; 7 homozygotes.

Submissions (5):

CeGaT Center for Human Genetics Tuebingen
Classification: Likely benign. Last evaluated: 2026-05-01. Review status: criteria provided, single submitter. Criteria: CeGaT Center For Human Genetics Tuebingen Variant Classification Criteria Version 2. Collection method: clinical testing. Allele origin: germline. Affected: yes. Observed: 3 variant alleles.
Comment: FAT4: BP4, BP7

Labcorp Genetics (formerly Invitae), Labcorp
Classification: Benign. Last evaluated: 2026-01-25. Review status: criteria provided, single submitter. Criteria: Invitae Variant Classification Sherloc (09022015). Collection method: clinical testing. Allele origin: germline.

Blueprint Genetics
Classification: Likely benign. Last evaluated: 2024-11-21. Review status: criteria provided, single submitter. Criteria: ACMG Guidelines, 2015. Collection method: clinical testing. Allele origin: germline.

GeneDx
Classification: Likely benign. Last evaluated: 2021-01-31. Review status: criteria provided, single submitter. Criteria: GeneDx Variant Classification Process June 2021. Collection method: clinical testing. Allele origin: germline. Affected: yes.

Breakthrough Genomics
Classification: Likely benign. Review status: criteria provided, single submitter. Criteria: ACMG Guidelines, 2015. Collection method: not provided. Allele origin: germline. Inheritance: Autosomal recessive inheritance. Affected: yes.

NM_001291303.3(FAT4):c.9141C>T (p.Ser3047=)

Gene: FAT4 (FAT atypical cadherin 4; plus strand). Cytogenetic location: 4q28.1.
Variant type: single nucleotide variant.
Coding change: c.9141C>T on transcript NM_001291303.3 (MANE Select); coding-DNA position 9141, C replaced by T.
Protein change: p.Ser3047=; no amino-acid change (serine 3047 retained).
Molecular consequence: synonymous variant.
Genome position (GRCh38, 1-based): chr4:125,450,151, C>T. VCF-style: chr4-125450151-C-T. GRCh37 (hg19) VCF-style: chr4-126371306-C-T.
Other names: c.9141C>T, p.Ser3047= (NM_001291285.3); c.9135C>T, p.Ser3045= (NM_024582.6).
Identifiers: ClinVar variation 736424 (VCV000736424.37), dbSNP rs146492311, ClinGen allele CA3073477.